The following is an entry in ClinVar:

NM_001145026.2(PTPRQ):c.2127A>G (p.Leu709=)

Gene: PTPRQ (protein tyrosine phosphatase receptor type Q; plus strand). Cytogenetic location: 12q21.31.
Variant type: single nucleotide variant.
Coding change: c.2127A>G on transcript NM_001145026.2 (MANE Select); coding-DNA position 2127, A replaced by G.
Protein change: p.Leu709=; no amino-acid change (leucine 709 retained).
Molecular consequence: synonymous variant.
Genome position (GRCh38, 1-based): chr12:80,496,386, A>G. VCF-style: chr12-80496386-A-G. GRCh37 (hg19) VCF-style: chr12-80890165-A-G.
Identifiers: ClinVar variation 4983423 (VCV004983423.1).

ClinVar aggregate classification (germline): Likely benign (1 of 4 stars; one submission).

Conditions:
PTPRQ-related disorder. Also called: PTPRQ-related condition.

gnomAD v4.1: 3 of 1,550,582 alleles (0.00019%); highest among the groups gnomAD compares: African/African-American, 0.0041%; no homozygotes.

Submission:

PreventionGenetics, part of Exact Sciences
Classification: Likely benign for PTPRQ-related condition. Last evaluated: 2025-02-19. Review status: criteria provided, single submitter. Criteria: ACMG Guidelines, 2015. Collection method: clinical testing. Allele origin: germline.
Comment: This variant is classified as likely benign based on ACMG/AMP sequence variant interpretation guidelines (Richards et al. 2015 PMID: 25741868, with internal and published modifications).